The following is an entry in ClinVar:

NM_003801.4(GPAA1):c.1260+1G>A

Gene: GPAA1 (glycosylphosphatidylinositol anchor attachment 1; plus strand). Cytogenetic location: 8q24.3.
Variant type: single nucleotide variant.
Coding change: c.1260+1G>A on transcript NM_003801.4 (MANE Select); the canonical splice donor site of the intron after coding-DNA position 1260, G replaced by A.
Molecular consequence: splice donor variant.
Genome position (GRCh38, 1-based): chr8:144,085,139, G>A. VCF-style: chr8-144085139-G-A. GRCh37 (hg19) VCF-style: chr8-145140042-G-A.
Identifiers: ClinVar variation 1878975 (VCV001878975.1), dbSNP rs1256250558, ClinGen allele CA372503034.

ClinVar aggregate classification (germline): Likely pathogenic (1 of 4 stars; one submission).

Allele frequency attached by ClinVar (database versions not stated): gnomAD exomes below 0.00001; TOPMed below 0.00001.
gnomAD v4.1: 3 of 1,552,348 alleles (0.00019%); highest among the groups gnomAD compares: Non-Finnish European, 0.00026%; no homozygotes.

Submission:

GeneDx
Classification: Likely pathogenic. Last evaluated: 2023-01-10. Review status: criteria provided, single submitter. Criteria: GeneDx Variant Classification Process June 2021. Collection method: clinical testing. Allele origin: germline. Affected: yes.
Comment: Not observed in large population cohorts (gnomAD); Has not been previously published as pathogenic or benign to our knowledge; Canonical splice site variant expected to result in aberrant splicing, although in the absence of functional evidence the actual effect of this sequence change is unknown.